The following is an entry in ClinVar:

ClinVar aggregate classification (germline): Uncertain significance. Review status: criteria provided, multiple submitters, no conflicts (2 of 4 stars). 2 submissions from 2 submitters: Uncertain significance (2). Last evaluated 2024-02-19.

Allele frequency attached by ClinVar (database versions not stated): gnomAD 0.00001; TOPMed 0.00001.
gnomAD v4.1: 9 of 1,606,648 alleles (0.00056%); highest among the groups gnomAD compares: African/African-American, 0.008%; no homozygotes.

Submissions (2):

Labcorp Genetics (formerly Invitae), Labcorp
Classification: Uncertain significance. Last evaluated: 2024-02-19. Review status: criteria provided, single submitter. Criteria: Invitae Variant Classification Sherloc (09022015). Collection method: clinical testing. Allele origin: germline.
Comment: This sequence change falls in intron 22 of the COL11A1 gene. It does not directly change the encoded amino acid sequence of the COL11A1 protein. It affects a nucleotide within the consensus splice site. This variant is not present in population databases (gnomAD no frequency). This variant has not been reported in the literature in individuals affected with COL11A1-related conditions. ClinVar contains an entry for this variant (Variation ID: 1513139). Variants that disrupt the consensus splice site are a relatively common cause of aberrant splicing (PMID: 17576681, 9536098). Algorithms developed to predict the effect of sequence changes on RNA splicing suggest that this variant is not likely to affect RNA splicing. In summary, the available evidence is currently insufficient to determine the role of this variant in disease. Therefore, it has been classified as a Variant of Uncertain Significance.

Blueprint Genetics
Classification: Uncertain significance. Last evaluated: 2020-11-03. Review status: criteria provided, single submitter. Criteria: ACMG Guidelines, 2015. Collection method: clinical testing. Allele origin: germline.

Literature cited by the submitters: PubMed 17576681 (cited by Labcorp Genetics (formerly Invitae), Labcorp); PubMed 9536098 (cited by Labcorp Genetics (formerly Invitae), Labcorp).

NM_001854.4(COL11A1):c.2044-3C>A

Gene: COL11A1 (collagen type XI alpha 1 chain; minus strand). Cytogenetic location: 1p21.1.
Variant type: single nucleotide variant.
Coding change: c.2044-3C>A on transcript NM_001854.4 (MANE Select); 3 bases into the intron before coding-DNA position 2044, C replaced by A.
Molecular consequence: intron variant.
Genome position (GRCh38, 1-based): chr1:103,002,484, G>T on the plus strand (C>A on the coding strand, the complement: COL11A1 is on the minus strand). VCF-style: chr1-103002484-G-T. GRCh37 (hg19) VCF-style: chr1-103468040-G-T.
Other names: c.1927-3C>A (NM_001190709.2); c.2080-3C>A (NM_080629.3); c.1696-3C>A (NM_080630.4).
Identifiers: ClinVar variation 1513139 (VCV001513139.7), dbSNP rs1429349126, ClinGen allele CA524902561.